The following is an entry in ClinVar:

NM_015030.2(FRYL):c.1504A>G (p.Ile502Val)

Gene: FRYL (FRY like transcription coactivator; minus strand). Cytogenetic location: 4p11.
Variant type: single nucleotide variant.
Coding change: c.1504A>G on transcript NM_015030.2 (MANE Select); coding-DNA position 1504, A replaced by G.
Protein change: p.Ile502Val; replaces isoleucine 502 with valine.
Molecular consequence: missense variant.
Genome position (GRCh38, 1-based): chr4:48,590,662, T>C on the plus strand (A>G on the coding strand, the complement: FRYL is on the minus strand). VCF-style: chr4-48590662-T-C. GRCh37 (hg19) VCF-style: chr4-48592679-T-C.
Other names: short protein forms I502V.
Identifiers: ClinVar variation 4680971 (VCV004680971.1).

ClinVar aggregate classification (germline): Uncertain significance (1 of 4 stars; one submission).

Submission:

GeneDx
Classification: Uncertain significance. Last evaluated: 2025-07-01. Review status: criteria provided, single submitter. Criteria: GeneDx Variant Classification Process June 2021. Collection method: clinical testing. Allele origin: germline. Affected: yes.
Comment: Not observed at significant frequency in large population cohorts (gnomAD); In silico analysis suggests that this missense variant does not alter protein structure/function; Has not been previously published as pathogenic or benign to our knowledge